The following is an entry in ClinVar:

NM_001146079.2(CLDN14):c.687G>A (p.Thr229=)

Genes: CLDN14-AS1 (CLDN14 antisense RNA 1; plus strand), CLDN14 (claudin 14; minus strand). Cytogenetic location: 21q22.13.
Variant type: single nucleotide variant.
Coding change: c.687G>A on transcript NM_001146079.2 (MANE Select); coding-DNA position 687, G replaced by A.
Protein change: p.Thr229=; no amino-acid change (threonine 229 retained).
Molecular consequence: synonymous variant.
Genome position (GRCh38, 1-based): chr21:36,461,009, C>T on the plus strand (G>A on the coding strand, the complement: CLDN14 is on the minus strand). VCF-style: chr21-36461009-C-T. GRCh37 (hg19) VCF-style: chr21-37833307-C-T.
Other names: p.Thr229=; c.687G>A, p.Thr229= (NM_001146077.2, NM_001146078.3, NM_012130.4 and 1 more transcripts).
Identifiers: ClinVar variation 44088 (VCV000044088.24), dbSNP rs219780, ClinGen allele CA133533.

ClinVar aggregate classification (germline): Benign. Review status: criteria provided, multiple submitters, no conflicts (2 of 4 stars). 9 submissions from 9 submitters: Benign (9). Last evaluated 2026-02-01.

Conditions:
Autosomal recessive nonsyndromic hearing loss 29. Identifiers: Orphanet 90636, MedGen C3279660, MONDO:0013537, OMIM 614035.

Allele frequency attached by ClinVar (database versions not stated): ESP Exome Variant Server 0.22313; 1000 Genomes Project 0.13538; 1000 Genomes Project 30x 0.13944; ExAC 0.16824; TOPMed 0.19345; gnomAD 0.19656 and 0.20318.
gnomAD v4.1: 313,859 of 1,612,880 alleles (19%); highest among the groups gnomAD compares: African/African-American, 24%; 32,630 homozygotes.

Submissions (9):

Labcorp Genetics (formerly Invitae), Labcorp
Classification: Benign. Last evaluated: 2026-02-01. Review status: criteria provided, single submitter. Criteria: Invitae Variant Classification Sherloc (09022015). Collection method: clinical testing. Allele origin: germline.

Genome-Nilou Lab
Classification: Benign for Autosomal recessive nonsyndromic hearing loss 29. Last evaluated: 2021-07-22. Review status: criteria provided, single submitter. Criteria: ACMG Guidelines, 2015. Collection method: clinical testing. Allele origin: germline. Affected: no.

Mayo Clinic Laboratories, Mayo Clinic
Classification: Benign. Last evaluated: 2019-05-24. Review status: criteria provided, single submitter. Criteria: ACMG Guidelines, 2015. Collection method: clinical testing. Allele origin: germline. Observed: 64 variant alleles.

Illumina Laboratory Services, Illumina
Classification: Benign for Autosomal recessive nonsyndromic hearing loss 29. Last evaluated: 2018-01-13. Review status: criteria provided, single submitter. Criteria: ICSL Variant Classification Criteria 13 December 2019. Collection method: clinical testing. Allele origin: germline.
Comment: This variant was observed in the ICSL laboratory as part of a predisposition screen in an ostensibly healthy population. It had not been previously curated by ICSL or reported in the Human Gene Mutation Database (HGMD: prior to June 1st, 2018), and was therefore a candidate for classification through an automated scoring system. Utilizing variant allele frequency, disease prevalence and penetrance estimates, and inheritance mode, an automated score was calculated to assess if this variant is too frequent to cause the disease. Based on the score and internal cut-off values, a variant classified as benign is not then subjected to further curation. The score for this variant resulted in a classification of benign for this disease.

GeneDx
Classification: Benign. Last evaluated: 2017-06-01. Review status: criteria provided, single submitter. Criteria: GeneDx Variant Classification (06012015). Collection method: clinical testing. Allele origin: germline. Affected: yes.
Comment: This variant is considered likely benign or benign based on one or more of the following criteria: it is a conservative change, it occurs at a poorly conserved position in the protein, it is predicted to be benign by multiple in silico algorithms, and/or has population frequency not consistent with disease.

Eurofins Ntd Llc (ga)
Classification: Benign. Last evaluated: 2016-11-11. Review status: criteria provided, single submitter. Criteria: EGL Classification Definitions 2015. Collection method: clinical testing. Allele origin: germline. Observed: 3 variant alleles, 1 heterozygote, 2 homozygotes.

Laboratory for Molecular Medicine, Mass General Brigham Personalized Medicine
Classification: Benign. Last evaluated: 2012-05-07. Review status: criteria provided, single submitter. Criteria: LMM Criteria. Collection method: clinical testing. Allele origin: germline. Observed: 505 variant alleles.

Breakthrough Genomics
Classification: Benign. Review status: criteria provided, single submitter. Criteria: ACMG Guidelines, 2015. Collection method: not provided. Allele origin: germline. Inheritance: Autosomal recessive inheritance. Affected: yes.

PreventionGenetics, part of Exact Sciences
Classification: Benign. Review status: criteria provided, single submitter. Criteria: ACMG Guidelines, 2015. Collection method: clinical testing. Allele origin: germline.